The following is an entry in ClinVar:

ClinVar aggregate classification (germline): Uncertain significance. Review status: criteria provided, multiple submitters, no conflicts (2 of 4 stars). 8 submissions from 8 submitters: Uncertain significance (7). 1 of the submissions does not count toward it. Last evaluated 2026-01-30.

Conditions:
PLEC-related disorder. Also called: PLEC-related disorders; PLEC-related condition.
Epidermolysis bullosa simplex with nail dystrophy (EBS5D). Identifiers: MedGen C4225309, MONDO:0014661, OMIM 616487.
Autosomal recessive limb-girdle muscular dystrophy type 2Q (LGMDR17). Also called: MUSCULAR DYSTROPHY, LIMB-GIRDLE, AUTOSOMAL RECESSIVE 17. Identifiers: Orphanet 254361, MedGen C3150989, MONDO:0013390, OMIM 613723.
Junctional epidermolysis bullosa with pyloric atresia. Also called: ITGB4-Related Epidermolysis Bullosa with Pyloric Atresia; Epidermolysis bullosa, junctional, with pyloric atresia and aplasia cutis congenita; Epidermolysis bullosa junctionalis with pyloric atresia; CARMI SYNDROME; EB-PA-ACC; EPIDERMOLYSIS BULLOSA, JUNCTIONAL 5B, WITH PYLORIC ATRESIA. Identifiers: Orphanet 79403, MedGen C5676875, MONDO:0009183, OMIM 226730.
Epidermolysis bullosa simplex 5C, with pyloric atresia (EBS5C). Also called: PLEC-Related Epidermolysis Bullosa with Pyloric Atresia; Epidermolysis bullosa simplex with pyloric atresia; PLEC1-Related Epidermolysis Bullosa with Pyloric Atresia. Identifiers: Orphanet 158684, MedGen C2677349, MONDO:0012807, OMIM 612138.
Epidermolysis bullosa simplex 5B, with muscular dystrophy (EBS5B). Also called: EPIDERMOLYSIS BULLOSA SIMPLEX AND LIMB-GIRDLE MUSCULAR DYSTROPHY; Epidermolysis bullosa simplex with muscular dystrophy. Identifiers: Orphanet 257, MedGen C2931072, MONDO:0009181, OMIM 226670.
Epidermolysis bullosa simplex, Ogna type (EBS5A). Also called: Pidermolysis bullosa simplex 5A, Ogna type; EPIDERMOLYSIS BULLOSA SIMPLEX 5A, OGNA TYPE. Identifiers: Orphanet 79401, MedGen C0432317, MONDO:0007555, OMIM 131950.
Autosomal recessive limb-girdle muscular dystrophy. Identifiers: Orphanet 102015, MedGen C2931907, MONDO:0015152.

Allele frequency attached by ClinVar (database versions not stated): gnomAD exomes 0.00004 and 0.00007; ExAC 0.00006; gnomAD 0.00011 and 0.00013; ESP Exome Variant Server 0.00015; TOPMed 0.00021.
gnomAD v4.1: 125 of 1,612,996 alleles (0.0077%); highest among the groups gnomAD compares: African/African-American, 0.031%; no homozygotes.

Submissions (8):

PreventionGenetics, part of Exact Sciences
Classification: Uncertain significance for PLEC-related condition. Last evaluated: 2026-01-30. Review status: criteria provided, single submitter. Criteria: ACMG Guidelines, 2015. Collection method: clinical testing. Allele origin: germline.
Comment: The PLEC c.8882C>T variant is predicted to result in the amino acid substitution p.Thr2961Met. This variant has been reported in the compound heterozygous state with a second PLEC variant of uncertain significance [c.6523A>G (p.Lys2175Glu), based on NM_201383) in an individual with arthrogryposis of the distal joints (described as c.8813C>T (p.Thr2938Met), based on transcript NM_201383.1, Table S1, Pehlivan et al. 2019. PubMed ID: 31230720). This variant is reported in 0.025% of alleles in individuals of African descent in gnomAD. At this time, the clinical significance of this variant is uncertain due to the absence of conclusive functional and genetic evidence.

Labcorp Genetics (formerly Invitae), Labcorp
Classification: Uncertain significance for Autosomal recessive limb-girdle muscular dystrophy type 2Q; Epidermolysis bullosa simplex, Ogna type; Epidermolysis bullosa simplex with nail dystrophy; Epidermolysis bullosa simplex 5C, with pyloric atresia; Epidermolysis bullosa simplex 5B, with muscular dystrophy. Last evaluated: 2025-11-24. Review status: criteria provided, single submitter. Criteria: Invitae Variant Classification Sherloc (09022015). Collection method: clinical testing. Allele origin: germline.
Comment: This sequence change replaces threonine, which is neutral and polar, with methionine, which is neutral and non-polar, at codon 2961 of the PLEC protein (p.Thr2961Met). This variant is present in population databases (rs368122904, gnomAD 0.03%). This missense change has been observed in individual(s) with arthrogryposis (PMID: 31230720). ClinVar contains an entry for this variant (Variation ID: 282308). An algorithm developed to predict the effect of missense changes on protein structure and function (PolyPhen-2) suggests that this variant is likely to be disruptive. In summary, the available evidence is currently insufficient to determine the role of this variant in disease. Therefore, it has been classified as a Variant of Uncertain Significance.

GeneDx
Classification: Uncertain significance. Last evaluated: 2025-10-23. Review status: criteria provided, single submitter. Criteria: GeneDx Variant Classification Process June 2021. Collection method: clinical testing. Allele origin: germline. Affected: yes.
Comment: Observed with a missense variant on the opposite allele (in trans) in a patient with distal arthrogryposis in the literature, although additional clinical information was limited (Pehlivan et al., 2019); In silico analysis supports that this missense variant has a deleterious effect on protein structure/function; Missense variant in a gene in which most reported pathogenic variants are truncating/loss of function; This variant is associated with the following publications: (PMID: 34426522, 31230720)

Department of Pathology and Laboratory Medicine, Sinai Health System
Classification: Uncertain significance for autosomal recessive limb-girdle muscular dystrophy. Last evaluated: 2021-07-30. Review status: criteria provided, single submitter. Criteria: ACMG Guidelines, 2015. Collection method: research. Allele origin: germline.

Revvity Omics, Revvity
Classification: Uncertain significance. Last evaluated: 2020-10-06. Review status: criteria provided, single submitter. Criteria: ACMG Guidelines, 2015. Collection method: clinical testing. Allele origin: germline.

Fulgent Genetics
Classification: Uncertain significance for Epidermolysis bullosa simplex, Ogna type; Epidermolysis bullosa simplex 5B, with muscular dystrophy; Junctional epidermolysis bullosa with pyloric atresia; Epidermolysis bullosa simplex 5C, with pyloric atresia; Autosomal recessive limb-girdle muscular dystrophy type 2Q; Epidermolysis bullosa simplex with nail dystrophy. Last evaluated: 2018-10-31. Review status: criteria provided, single submitter. Criteria: ACMG Guidelines, 2015. Collection method: clinical testing. Allele origin: unknown.

Eurofins Ntd Llc (ga)
Classification: Uncertain significance. Last evaluated: 2015-08-21. Review status: criteria provided, single submitter. Criteria: EGL Classification Definitions 2015. Collection method: clinical testing. Allele origin: germline. Observed: 1 variant allele, 1 heterozygote.

Lupski Lab, Baylor-Hopkins CMG, Baylor College of Medicine
Classification: Uncertain significance for Autosomal recessive limb-girdle muscular dystrophy type 2Q. Review status: no assertion criteria provided. Collection method: research. Allele origin: inherited. Inheritance: Autosomal recessive inheritance. Affected: yes. Observed: 2 variant alleles, 1 heterozygote, 1 compound heterozygote. Not counted in ClinVar's aggregate classification.

Literature cited by the submitters: PubMed 31230720 (cited by Labcorp Genetics (formerly Invitae), Labcorp).

NM_201384.3(PLEC):c.8801C>T (p.Thr2934Met)

Gene: PLEC (plectin; minus strand). Cytogenetic location: 8q24.3.
Variant type: single nucleotide variant.
Coding change: c.8801C>T on transcript NM_201384.3 (MANE Select); coding-DNA position 8801, C replaced by T.
Protein change: p.Thr2934Met; replaces threonine 2934 with methionine.
Molecular consequence: missense variant.
Genome position (GRCh38, 1-based): chr8:143,921,020, G>A on the plus strand (C>T on the coding strand, the complement: PLEC is on the minus strand). VCF-style: chr8-143921020-G-A. GRCh37 (hg19) VCF-style: chr8-144995188-G-A.
Other names: c.8882C>T, p.Thr2961Met (NM_000445.5); c.8759C>T, p.Thr2920Met (NM_201378.4); c.8735C>T, p.Thr2912Met (NM_201379.3); c.9212C>T, p.Thr3071Met (NM_201380.4); c.8705C>T, p.Thr2902Met (NM_201381.3); c.8801C>T, p.Thr2934Met (NM_201382.4); c.8813C>T, p.Thr2938Met (NM_201383.3); short protein forms T2912M, T2934M, T2902M, T2938M, T2961M, T2920M, T3071M.
Identifiers: ClinVar variation 282308 (VCV000282308.21), dbSNP rs368122904, ClinGen allele CA4925180.
Genomic context (GRCh38, chr8:143,921,020, plus strand): 5'-TTCTCCACTGTGATCCGGCCCGTGCGGAACTGCCGCAGCAGGTCCCGCCGCTGCTCTGCC[G>A]TGAAGTATTCCGAGTTGATGATCTCCCAAATGGTCACCGTCTTGCCCTGGAACTTGCCGA-3'
Protein context (NP_958786.1, residues 2924-2944): IWEIINSEYF[Thr2934Met]AEQRRDLLRQ